The following is an entry in ClinVar:

NM_020928.2(ZSWIM6):c.653G>C (p.Cys218Ser)

Gene: ZSWIM6 (zinc finger SWIM-type containing 6; plus strand). Cytogenetic location: 5q12.1.
Variant type: single nucleotide variant.
Coding change: c.653G>C on transcript NM_020928.2 (MANE Select); coding-DNA position 653, G replaced by C.
Protein change: p.Cys218Ser; replaces cysteine 218 with serine.
Molecular consequence: missense variant.
Genome position (GRCh38, 1-based): chr5:61,332,925, G>C. VCF-style: chr5-61332925-G-C. GRCh37 (hg19) VCF-style: chr5-60628752-G-C.
Other names: short protein forms C218S.
Identifiers: ClinVar variation 4851807 (VCV004851807.1).
Genomic context (GRCh38, chr5:61,332,925, plus strand): 5'-ACGGCGGCGACGAGACGCGGCTGCCTTTCCGCCGGGGCATCGCGCTGTTGGAAAGCGGCT[G>C]CGTAGACAACGTCCTGCAAGTCGGTGAGTCACGGGGCAGCCGCGAGCCGTCTGTCCGTCC-3'
Protein context (NP_065979.1, residues 208-228): RRGIALLESG[Cys218Ser]VDNVLQVGFH

ClinVar aggregate classification (germline): Uncertain significance (1 of 4 stars; one submission).

Submission:

Dasa
Classification: Uncertain significance. Last evaluated: 2025-07-03. Review status: criteria provided, single submitter. Criteria: DASA Assertion Criteria. Collection method: clinical testing. Allele origin: germline.
Comment: NM_020928.2(ZSWIM6):c.653G>C (p.Cys218Ser) is a missense variant that results in the substitution of cysteine with serine. Multiple computational predictions suggest no deleterious effect on the gene or gene product. The variant is present at low frequency in population datasets. Based on the available data, this variant is classified as variant of uncertain significance.